The following is an entry in ClinVar:

ClinVar aggregate classification (germline): Pathogenic (1 of 4 stars; one submission).

gnomAD v4.1: 1 of 1,614,152 alleles (0.000062%); highest among the groups gnomAD compares: Non-Finnish European, 0.000085%; no homozygotes.

Submission:

Labcorp Genetics (formerly Invitae), Labcorp
Classification: Pathogenic. Last evaluated: 2024-07-24. Review status: criteria provided, single submitter. Criteria: Invitae Variant Classification Sherloc (09022015). Collection method: clinical testing. Allele origin: germline.
Comment: This sequence change creates a premature translational stop signal (p.Glu501*) in the CENPJ gene. It is expected to result in an absent or disrupted protein product. Loss-of-function variants in CENPJ are known to be pathogenic (PMID: 15793586, 16900296, 20522431). This variant is not present in population databases (gnomAD no frequency). This variant has not been reported in the literature in individuals affected with CENPJ-related conditions. For these reasons, this variant has been classified as Pathogenic.

Literature cited by the submitters: PubMed 15793586; PubMed 16900296; PubMed 20522431.

NM_018451.5(CPAP):c.1501G>T (p.Glu501Ter)

Gene: CPAP (centrosome assembly and centriole elongation protein; minus strand). Cytogenetic location: 13q12.13.
Variant type: single nucleotide variant.
Coding change: c.1501G>T on transcript NM_018451.5 (MANE Select); coding-DNA position 1501, G replaced by T.
Protein change: p.Glu501Ter; replaces glutamic acid 501 with a stop codon.
Molecular consequence: nonsense. On other transcripts: non-coding transcript variant (2).
Genome position (GRCh38, 1-based): chr13:24,906,537, C>A on the plus strand (G>T on the coding strand, the complement: CPAP is on the minus strand). VCF-style: chr13-24906537-C-A. GRCh37 (hg19) VCF-style: chr13-25480675-C-A.
Other names: short protein forms E501*.
Identifiers: ClinVar variation 3660503 (VCV003660503.2).